The following is an entry in ClinVar:

ClinVar aggregate classification (germline): Uncertain significance (1 of 4 stars; one submission).

Allele frequency attached by ClinVar (database versions not stated): gnomAD 0.00001; gnomAD exomes 0.00001; ExAC 0.00002.
gnomAD v4.1: 33 of 1,613,970 alleles (0.002%); highest among the groups gnomAD compares: Middle Eastern, 0.016%; no homozygotes.

Submission:

Labcorp Genetics (formerly Invitae), Labcorp
Classification: Uncertain significance. Last evaluated: 2024-04-18. Review status: criteria provided, single submitter. Criteria: Invitae Variant Classification Sherloc (09022015). Collection method: clinical testing. Allele origin: germline.
Comment: This sequence change replaces valine, which is neutral and non-polar, with phenylalanine, which is neutral and non-polar, at codon 33 of the TYRP1 protein (p.Val33Phe). This variant is present in population databases (rs751396808, gnomAD 0.008%). This variant has not been reported in the literature in individuals affected with TYRP1-related conditions. ClinVar contains an entry for this variant (Variation ID: 1422251). Advanced modeling of protein sequence and biophysical properties (such as structural, functional, and spatial information, amino acid conservation, physicochemical variation, residue mobility, and thermodynamic stability) performed at Invitae indicates that this missense variant is not expected to disrupt TYRP1 protein function with a negative predictive value of 80%. In summary, the available evidence is currently insufficient to determine the role of this variant in disease. Therefore, it has been classified as a Variant of Uncertain Significance.

NM_000550.3(TYRP1):c.97G>T (p.Val33Phe)

Gene: TYRP1 (tyrosinase related protein 1; plus strand). Cytogenetic location: 9p23.
Variant type: single nucleotide variant.
Coding change: c.97G>T on transcript NM_000550.3 (MANE Select); coding-DNA position 97, G replaced by T.
Protein change: p.Val33Phe; replaces valine 33 with phenylalanine.
Molecular consequence: missense variant.
Genome position (GRCh38, 1-based): chr9:12,694,093, G>T. VCF-style: chr9-12694093-G-T. GRCh37 (hg19) VCF-style: chr9-12694093-G-T.
Other names: short protein forms V33F.
Identifiers: ClinVar variation 1422251 (VCV001422251.5), dbSNP rs751396808, ClinGen allele CA4985110.
Genomic context (GRCh38, chr9:12,694,093, plus strand): 5'-TTCTTCCCCTTGCTACTTTTTCAGCAGGCCCGGGCTCAATTCCCAAGACAGTGTGCCACT[G>T]TTGAGGCTTTGAGAAGTGGTATGTGTTGCCCAGACCTGTCCCCTGTGTCTGGGCCTGGGA-3'
Protein context (NP_000541.1, residues 23-43): RAQFPRQCAT[Val33Phe]EALRSGMCCP